The following is an entry in ClinVar:

NM_015047.3(EMC1):c.717C>G (p.Asp239Glu)

Genes: EMC1 (ER membrane protein complex subunit 1; minus strand), EMC1-AS1 (EMC1 antisense RNA 1; plus strand). Cytogenetic location: 1p36.13.
Variant type: single nucleotide variant.
Coding change: c.717C>G on transcript NM_015047.3 (MANE Select); coding-DNA position 717, C replaced by G.
Protein change: p.Asp239Glu; replaces aspartic acid 239 with glutamic acid.
Molecular consequence: missense variant. On other transcripts: non-coding transcript variant (1).
Genome position (GRCh38, 1-based): chr1:19,240,366, G>C on the plus strand (C>G on the coding strand, the complement: EMC1 is on the minus strand). VCF-style: chr1-19240366-G-C. GRCh37 (hg19) VCF-style: chr1-19566860-G-C.
Other names: c.717C>G, p.Asp239Glu (NM_001271427.2, NM_001271428.2, NM_001375820.1 and 1 more transcripts); c.651C>G, p.Asp217Glu (NM_001271429.2); c.717C>G (NM_015047.1); short protein forms D239E, D217E.
Identifiers: ClinVar variation 943582 (VCV000943582.11), dbSNP rs41302030, ClinGen allele CA652816.

ClinVar aggregate classification (germline): Uncertain significance. Review status: criteria provided, multiple submitters, no conflicts (2 of 4 stars). 3 submissions from 3 submitters: Uncertain significance (3). Last evaluated 2026-01-05.

Conditions:
Inborn genetic diseases. Identifiers: MedGen C0950123, MeSH D030342.

Allele frequency attached by ClinVar (database versions not stated): ExAC 0.00012; ESP Exome Variant Server 0.00015; 1000 Genomes Project 30x 0.00016; gnomAD exomes 0.00016 and 0.00049; TOPMed 0.00025; gnomAD 0.00026 and 0.00027.
gnomAD v4.1: 741 of 1,614,190 alleles (0.046%); highest among the groups gnomAD compares: Non-Finnish European, 0.061%; no homozygotes.

Submissions (3):

Labcorp Genetics (formerly Invitae), Labcorp
Classification: Uncertain significance. Last evaluated: 2026-01-05. Review status: criteria provided, single submitter. Criteria: Invitae Variant Classification Sherloc (09022015). Collection method: clinical testing. Allele origin: germline.
Comment: This sequence change replaces aspartic acid, which is acidic and polar, with glutamic acid, which is acidic and polar, at codon 239 of the EMC1 protein (p.Asp239Glu). This variant is present in population databases (rs41302030, gnomAD 0.03%). This variant has not been reported in the literature in individuals affected with EMC1-related conditions. ClinVar contains an entry for this variant (Variation ID: 943582). Invitae Evidence Modeling of protein sequence and biophysical properties (such as structural, functional, and spatial information, amino acid conservation, physicochemical variation, residue mobility, and thermodynamic stability) indicates that this missense variant is not expected to disrupt EMC1 protein function with a negative predictive value of 80%. In summary, the available evidence is currently insufficient to determine the role of this variant in disease. Therefore, it has been classified as a Variant of Uncertain Significance.

Ambry Genetics
Classification: Uncertain significance for Inborn genetic diseases. Last evaluated: 2025-09-09. Review status: criteria provided, single submitter. Criteria: Ambry Variant Classification Scheme 2023. Collection method: clinical testing. Allele origin: germline.

Blueprint Genetics
Classification: Uncertain significance. Last evaluated: 2024-10-31. Review status: criteria provided, single submitter. Criteria: ACMG Guidelines, 2015. Collection method: clinical testing. Allele origin: germline.